The following is an entry in ClinVar:

ClinVar aggregate classification (germline): Uncertain significance (1 of 4 stars; one submission).

Submission:

GeneDx
Classification: Uncertain significance. Last evaluated: 2023-12-24. Review status: criteria provided, single submitter. Criteria: GeneDx Variant Classification Process June 2021. Collection method: clinical testing. Allele origin: germline. Affected: yes.
Comment: Not observed at significant frequency in large population cohorts (gnomAD); In silico analysis supports that this missense variant does not alter protein structure/function; Has not been previously published as pathogenic or benign to our knowledge

NM_024496.4(IRF2BPL):c.890C>G (p.Ala297Gly)

Gene: IRF2BPL (interferon regulatory factor 2 binding protein like; minus strand). Cytogenetic location: 14q24.3.
Variant type: single nucleotide variant.
Coding change: c.890C>G on transcript NM_024496.4 (MANE Select); coding-DNA position 890, C replaced by G.
Protein change: p.Ala297Gly; replaces alanine 297 with glycine.
Molecular consequence: missense variant.
Genome position (GRCh38, 1-based): chr14:77,026,903, G>C on the plus strand (C>G on the coding strand, the complement: IRF2BPL is on the minus strand). VCF-style: chr14-77026903-G-C. GRCh37 (hg19) VCF-style: chr14-77493246-G-C.
Other names: short protein forms A297G.
Identifiers: ClinVar variation 3365864 (VCV003365864.1).